The following is an entry in ClinVar:

ClinVar aggregate classification (germline): Uncertain significance (1 of 4 stars; one submission).

Submission:

Women's Health and Genetics/Laboratory Corporation of America, LabCorp
Classification: Uncertain significance. Last evaluated: 2023-01-26. Review status: criteria provided, single submitter. Criteria: LabCorp Variant Classification Summary - May 2015. Collection method: clinical testing. Allele origin: germline.
Comment: Variant summary: FOXP1 c.1277C>T (p.Thr426Ile) results in a non-conservative amino acid change in the encoded protein sequence. Three of five in-silico tools predict a damaging effect of the variant on protein function. The variant was absent in 251416 control chromosomes (gnomAD). The available data on variant occurrences in the general population are insufficient to allow any conclusion about variant significance. To our knowledge, no occurrence of c.1277C>T in individuals affected with Mental Retardation With Language Impairment And With Or Without Autistic Features and no experimental evidence demonstrating its impact on protein function have been reported. No clinical diagnostic laboratories have submitted clinical-significance assessments for this variant to ClinVar after 2014. Based on the evidence outlined above, the variant was classified as uncertain significance.

NM_001349338.3(FOXP1):c.1277C>T (p.Thr426Ile)

Gene: FOXP1 (forkhead box P1; minus strand). Cytogenetic location: 3p13.
Variant type: single nucleotide variant.
Coding change: c.1277C>T on transcript NM_001349338.3 (MANE Select); coding-DNA position 1277, C replaced by T.
Protein change: p.Thr426Ile; replaces threonine 426 with isoleucine.
Molecular consequence: missense variant. On other transcripts: non-coding transcript variant (2).
Genome position (GRCh38, 1-based): chr3:70,977,899, G>A on the plus strand (C>T on the coding strand, the complement: FOXP1 is on the minus strand). VCF-style: chr3-70977899-G-A. GRCh37 (hg19) VCF-style: chr3-71027050-G-A.
Other names: c.1277C>T, p.Thr426Ile (NM_001244808.3, NM_001244810.2, NM_001244814.3 and 4 more transcripts); c.1049C>T, p.Thr350Ile (NM_001244812.3); c.977C>T, p.Thr326Ile (NM_001244813.3, NM_001244815.2, NM_001349342.3 and 1 more transcripts); c.974C>T, p.Thr325Ile (NM_001349337.2, NM_001349343.3, NM_001349344.3); c.1274C>T, p.Thr425Ile (NM_001349341.3); short protein forms T325I, T326I, T350I, T425I, T426I.
Identifiers: ClinVar variation 2429297 (VCV002429297.3), dbSNP rs1054553983, ClinGen allele CA353493537.